The following is an entry in ClinVar:

NM_000368.5(TSC1):c.371C>G (p.Thr124Ser)

Gene: TSC1 (TSC complex subunit 1; minus strand). Cytogenetic location: 9q34.13.
Variant type: single nucleotide variant.
Coding change: c.371C>G on transcript NM_000368.5 (MANE Select); coding-DNA position 371, C replaced by G.
Protein change: p.Thr124Ser; replaces threonine 124 with serine.
Molecular consequence: missense variant.
Genome position (GRCh38, 1-based): chr9:132,923,485, G>C on the plus strand (C>G on the coding strand, the complement: TSC1 is on the minus strand). VCF-style: chr9-132923485-G-C. GRCh37 (hg19) VCF-style: chr9-135798872-G-C.
Other names: c.371C>G, p.Thr124Ser (NM_001162426.2); c.218C>G, p.Thr73Ser (NM_001162427.2); c.8C>G, p.Thr3Ser (NM_001362177.2); short protein forms T73S, T124S, T3S.
Identifiers: ClinVar variation 1466108 (VCV001466108.10), dbSNP rs747251435, ClinGen allele CA037363.

ClinVar aggregate classification (germline): Conflicting classifications of pathogenicity. Review status: criteria provided, conflicting classifications (1 of 4 stars). 3 submissions from 3 submitters: Uncertain significance (2); Likely benign (1). Last evaluated 2025-04-06.

Conditions:
Hereditary cancer-predisposing syndrome. Also called: Neoplastic Syndromes, Hereditary; Hereditary Cancer Syndrome; Tumor predisposition; Hereditary neoplastic syndrome. Identifiers: Orphanet 140162, MedGen C0027672, MeSH D009386, MONDO:0015356.
Isolated focal cortical dysplasia type II (FCORD2). Also called: Focal cortical dysplasia type II; CORTICAL DYSPLASIA OF TAYLOR. Identifiers: Orphanet 268994, MedGen C1846385, MONDO:0011818, OMIM 607341, HP:0032051.
Tuberous sclerosis 1 (TSC1). Identifiers: Orphanet 805, MedGen C1854465, MONDO:0008612, OMIM 191100.

Allele frequency attached by ClinVar (database versions not stated): gnomAD exomes below 0.00001 and 0.00001; ExAC 0.00001.
gnomAD v4.1: 1 of 1,614,140 alleles (0.000062%); highest among the groups gnomAD compares: Non-Finnish European, 0.000085%; no homozygotes.

Submissions (3):

Ambry Genetics
Classification: Uncertain significance for Hereditary cancer-predisposing syndrome. Last evaluated: 2025-04-06. Review status: criteria provided, single submitter. Criteria: Ambry Variant Classification Scheme 2023. Collection method: clinical testing. Allele origin: germline.
Comment: The p.T124S variant (also known as c.371C>G), located in coding exon 4 of the TSC1 gene, results from a C to G substitution at nucleotide position 371. The threonine at codon 124 is replaced by serine, an amino acid with similar properties. This amino acid position is well conserved in available vertebrate species; however, serine is the reference amino acid in other vertebrate species. In addition, the in silico prediction for this alteration is inconclusive. Since supporting evidence is limited at this time, the clinical significance of this alteration remains unclear.

Labcorp Genetics (formerly Invitae), Labcorp
Classification: Likely benign for Tuberous sclerosis 1. Last evaluated: 2024-07-16. Review status: criteria provided, single submitter. Criteria: Invitae Variant Classification Sherloc (09022015). Collection method: clinical testing. Allele origin: germline.

Baylor Genetics
Classification: Uncertain significance for Isolated focal cortical dysplasia type II. Last evaluated: 2023-05-08. Review status: criteria provided, single submitter. Criteria: ACMG Guidelines, 2015. Collection method: clinical testing. Allele origin: unknown.